The following is an entry in ClinVar:

NM_020433.5(JPH2):c.2006_2010+1dup

Gene: JPH2 (junctophilin 2; minus strand). Cytogenetic location: 20q13.12.
Variant type: Duplication.
Coding change: c.2006_2010+1dup on transcript NM_020433.5 (MANE Select); coding-DNA position 2006 through the canonical splice donor site of the intron after coding-DNA position 2010, 6 bases duplicated (AAGAGG; older notation c.2006_2010+1dupAAGAGG).
Molecular consequence: splice donor variant.
Genome position (GRCh38, 1-based): chr20:44,115,664-44,115,669, CCTCTT duplicated on the plus strand (AAGAGG on the coding strand, the reverse complement: JPH2 is on the minus strand); duplicating any 6 consecutive bases within chr20:44,115,664-44,115,671 gives the same sequence; the c. name uses the placement nearest the transcript's 3' end. VCF-style (leftmost placement, unchanged base first): chr20-44115663-A-ACCTCTT. GRCh37 (hg19) VCF-style: chr20-42744303-A-ACCTCTT.
Identifiers: ClinVar variation 1034663 (VCV001034663.8), dbSNP rs2072182869, ClinGen allele CA510738679.
Genomic context (GRCh38, chr20:44,115,663, plus strand): 5'-CCCTCAAGCCCTGCTACCTCTAGGGAACCCGACCTTAGGCACACCTTGCCCGACAGCCTC[A>ACCTCTT]CCTCTTCCACCTCCACCTCCGCCTCTGCCGCCAGTGCGGCCTCCTTCCGCGCCTTCTTCT-3'

ClinVar aggregate classification (germline): Uncertain significance. Review status: criteria provided, multiple submitters, no conflicts (2 of 4 stars). 2 submissions from 2 submitters: Uncertain significance (2). Last evaluated 2021-08-05.

Conditions:
Hypertrophic cardiomyopathy 17. Identifiers: MedGen C3151264, MONDO:0013474, OMIM 613873.
Cardiomyopathy, dilated, 2E. Identifiers: MedGen C5561970, MONDO:0030366, OMIM 619492.
Hypertrophic cardiomyopathy. Also called: HYPERTROPHIC MYOCARDIOPATHY. Identifiers: Orphanet 217569, MedGen C0007194, MeSH D002312, MONDO:0005045, HP:0001639.

Submissions (2):

Fulgent Genetics
Classification: Uncertain significance for Hypertrophic cardiomyopathy 17; Cardiomyopathy, dilated, 2E. Last evaluated: 2021-08-05. Review status: criteria provided, single submitter. Criteria: ACMG Guidelines, 2015. Collection method: clinical testing. Allele origin: unknown.

Labcorp Genetics (formerly Invitae), Labcorp
Classification: Uncertain significance for Hypertrophic cardiomyopathy. Last evaluated: 2020-02-07. Review status: criteria provided, single submitter. Criteria: Invitae Variant Classification Sherloc (09022015). Collection method: clinical testing. Allele origin: germline.
Comment: This variant, c.2005_2010dup, results in the insertion of 2 amino acid(s) to the JPH2 protein (p.Glu669_Glu670dup), but otherwise preserves the integrity of the reading frame. This variant is not present in population databases (ExAC no frequency). This variant has not been reported in the literature in individuals with JPH2-related conditions. Experimental studies and prediction algorithms are not available or were not evaluated, and the functional significance of this variant is currently unknown. Algorithms developed to predict the effect of sequence changes on RNA splicing suggest that this variant may disrupt the consensus splice site, but this prediction has not been confirmed by published transcriptional studies. In summary, the available evidence is currently insufficient to determine the role of this variant in disease. Therefore, it has been classified as a Variant of Uncertain Significance.